The following is an entry in ClinVar:

NM_001130009.3(GEN1):c.910G>A (p.Glu304Lys)

Gene: GEN1 (GEN1 Holliday junction 5' flap endonuclease; plus strand). Cytogenetic location: 2p24.2.
Variant type: single nucleotide variant.
Coding change: c.910G>A on transcript NM_001130009.3 (MANE Select); coding-DNA position 910, G replaced by A.
Protein change: p.Glu304Lys; replaces glutamic acid 304 with lysine.
Molecular consequence: missense variant.
Genome position (GRCh38, 1-based): chr2:17,772,741, G>A. VCF-style: chr2-17772741-G-A. GRCh37 (hg19) VCF-style: chr2-17954008-G-A.
Other names: c.910G>A, p.Glu304Lys (NM_182625.5); short protein forms E304K.
Identifiers: ClinVar variation 3099405 (VCV003099405.2), dbSNP rs2545586686, ClinGen allele CA345917354.

ClinVar aggregate classification (germline): Uncertain significance (1 of 4 stars; one submission).

Submission:

Ambry Genetics
Classification: Uncertain significance. Last evaluated: 2025-03-26. Review status: criteria provided, single submitter. Criteria: Ambry Variant Classification Scheme 2023. Collection method: clinical testing. Allele origin: germline.
Comment: The p.E304K variant (also known as c.910G>A), located in coding exon 7 of the GEN1 gene, results from a G to A substitution at nucleotide position 910. The glutamic acid at codon 304 is replaced by lysine, an amino acid with similar properties. This amino acid position is conserved. In addition, this alteration is predicted to be tolerated by in silico analysis. Based on the available evidence, the clinical significance of this variant remains unclear.